The following is an entry in ClinVar:

NM_153026.3(PRICKLE1):c.337A>G (p.Thr113Ala)

Gene: PRICKLE1 (prickle planar cell polarity protein 1; minus strand). Cytogenetic location: 12q12.
Variant type: single nucleotide variant.
Coding change: c.337A>G on transcript NM_153026.3 (MANE Select); coding-DNA position 337, A replaced by G.
Protein change: p.Thr113Ala; replaces threonine 113 with alanine.
Molecular consequence: missense variant.
Genome position (GRCh38, 1-based): chr12:42,469,497, T>C on the plus strand (A>G on the coding strand, the complement: PRICKLE1 is on the minus strand). VCF-style: chr12-42469497-T-C. GRCh37 (hg19) VCF-style: chr12-42863299-T-C.
Other names: c.337A>G, p.Thr113Ala (NM_001144881.2, NM_001144882.2, NM_001144883.2); short protein forms T113A.
Identifiers: ClinVar variation 1730795 (VCV001730795.2), dbSNP rs2503459186, ClinGen allele CA384444204.

ClinVar aggregate classification (germline): Uncertain significance (1 of 4 stars; one submission).

Submission:

Ambry Genetics
Classification: Uncertain significance. Last evaluated: 2018-01-18. Review status: criteria provided, single submitter. Criteria: Ambry Variant Classification Scheme 2023. Collection method: clinical testing. Allele origin: germline.
Comment: The p.T113A variant (also known as c.337A>G), located in coding exon 3 of the PRICKLE1 gene, results from an A to G substitution at nucleotide position 337. The threonine at codon 113 is replaced by alanine, an amino acid with similar properties. This amino acid position is highly conserved in available vertebrate species. In addition, the in silico prediction for this alteration is inconclusive.